The following is an entry in ClinVar:

NM_000901.5(NR3C2):c.1757+6T>C

Gene: NR3C2 (nuclear receptor subfamily 3 group C member 2; minus strand). Cytogenetic location: 4q31.23.
Variant type: single nucleotide variant.
Coding change: c.1757+6T>C on transcript NM_000901.5 (MANE Select); 6 bases into the intron after coding-DNA position 1757, T replaced by C.
Molecular consequence: intron variant.
Genome position (GRCh38, 1-based): chr4:148,435,098, A>G on the plus strand (T>C on the coding strand, the complement: NR3C2 is on the minus strand). VCF-style: chr4-148435098-A-G. GRCh37 (hg19) VCF-style: chr4-149356250-A-G.
Other names: c.1757+6T>C (NM_001354819.1, NM_001166104.2).
Identifiers: ClinVar variation 902487 (VCV000902487.9), dbSNP rs184268528, ClinGen allele CA3100247.

ClinVar aggregate classification (germline): Conflicting classifications of pathogenicity. Review status: criteria provided, conflicting classifications (1 of 4 stars). 3 submissions from 3 submitters: Uncertain significance (2); Likely benign (1). Last evaluated 2026-03-16.

Conditions:
Autosomal dominant pseudohypoaldosteronism type 1. Also called: Pseudohypoaldosteronism, Type I, Autosomal Dominant; PHA I, AUTOSOMAL DOMINANT; Pseudohypoaldosteronism, Type I, Dominant. Identifiers: Orphanet 171871, Orphanet 756, MedGen C1449842, MONDO:0008329, OMIM 177735.

Allele frequency attached by ClinVar (database versions not stated): gnomAD 0.00007 and 0.00009; gnomAD exomes 0.00008 and 0.00013; TOPMed 0.00011; ExAC 0.00013.
gnomAD v4.1: 139 of 1,614,032 alleles (0.0086%); highest among the groups gnomAD compares: Admixed American, 0.043%; no homozygotes.

Submissions (4):

Women's Health and Genetics/Laboratory Corporation of America, LabCorp
Classification: Uncertain significance. Last evaluated: 2026-03-16. Review status: criteria provided, single submitter. Criteria: LabCorp Variant Classification Summary - May 2015. Collection method: clinical testing. Allele origin: germline.
Comment: Variant summary: NR3C2 c.1757+6T>C alters a conserved nucleotide located close to a canonical splice site and therefore could affect mRNA splicing, leading to a significantly altered protein sequence. Consensus agreement among computation tools predict no significant impact on normal splicing. However, these predictions have yet to be confirmed by functional studies. The variant allele was found at a frequency of 0.00013 in 251252 control chromosomes. This frequency is not significantly higher than estimated for disease-causing variants in NR3C2, allowing no conclusion about variant significance. To our knowledge, no occurrence of c.1757+6T>C in individuals affected with NR3C2-related conditions and no experimental evidence demonstrating its impact on protein function have been reported. ClinVar contains an entry for this variant (Variation ID: 902487). Based on the evidence outlined above, the variant was classified as uncertain significance.

Labcorp Genetics (formerly Invitae), Labcorp
Classification: Uncertain significance. Last evaluated: 2025-10-21. Review status: criteria provided, single submitter. Criteria: Invitae Variant Classification Sherloc (09022015). Collection method: clinical testing. Allele origin: germline.
Comment: This sequence change falls in intron 2 of the NR3C2 gene. It does not directly change the encoded amino acid sequence of the NR3C2 protein. It affects a nucleotide within the consensus splice site. This variant is present in population databases (rs184268528, gnomAD 0.03%). This variant has not been reported in the literature in individuals affected with NR3C2-related conditions. ClinVar contains an entry for this variant (Variation ID: 902487). Variants that disrupt the consensus splice site are a relatively common cause of aberrant splicing (PMID: 17576681, 9536098). Algorithms developed to predict the effect of sequence changes on RNA splicing suggest that this variant is not likely to affect RNA splicing. In summary, the available evidence is currently insufficient to determine the role of this variant in disease. Therefore, it has been classified as a Variant of Uncertain Significance.

Illumina Laboratory Services, Illumina
Classification: Likely benign for Autosomal dominant pseudohypoaldosteronism type 1. Last evaluated: 2018-01-12. Review status: criteria provided, single submitter. Criteria: ICSL Variant Classification Criteria 13 December 2019. Collection method: clinical testing. Allele origin: germline.
Comment: This variant was observed in the ICSL laboratory as part of a predisposition screen in an ostensibly healthy population. It had not been previously curated by ICSL or reported in the Human Gene Mutation Database (HGMD: prior to June 1st, 2018), and was therefore a candidate for classification through an automated scoring system. Utilizing variant allele frequency, disease prevalence and penetrance estimates, and inheritance mode, an automated score was calculated to assess if this variant is too frequent to cause the disease. Based on the score and internal cut-off values, a variant classified as likely benign is not then subjected to further curation. The score for this variant resulted in a classification of likely benign for this disease.

Dr. Peter K. Rogan Lab, Western University
No classification provided (evidence only). Condition: Familial cancer of breast. Review status: no classification provided. Collection method: in vitro. Allele origin: not applicable. Functional consequence: retained intron. Not counted in ClinVar's aggregate classification.

Literature cited by the submitters: PubMed 17576681 (cited by Labcorp Genetics (formerly Invitae), Labcorp); PubMed 9536098 (cited by Labcorp Genetics (formerly Invitae), Labcorp).